The following is an entry in ClinVar:

NM_017514.5(PLXNA3):c.-7G>A

Gene: PLXNA3 (plexin A3; plus strand). Cytogenetic location: Xq28.
Variant type: single nucleotide variant.
Coding change: c.-7G>A on transcript NM_017514.5 (MANE Select); 7 bases upstream of the start codon, G replaced by A.
Molecular consequence: 5 prime UTR variant.
Genome position (GRCh38, 1-based): chrX:154,460,177, G>A. VCF-style: chrX-154460177-G-A. GRCh37 (hg19) VCF-style: chrX-153688517-G-A.
Identifiers: ClinVar variation 3355805 (VCV003355805.1).

ClinVar aggregate classification (germline): Likely benign (0 of 4 stars; one submission).

Conditions:
PLXNA3-related disorder. Also called: PLXNA3-related condition.

gnomAD v4.1: 4 of 1,176,304 alleles (0.00034%); highest among the groups gnomAD compares: African/African-American, 0.007%; no homozygotes.

Submission:

PreventionGenetics, part of Exact Sciences
Classification: Likely benign for PLXNA3-related condition. Last evaluated: 2024-03-03. Review status: no assertion criteria provided. Collection method: clinical testing. Allele origin: germline.
Comment: This variant is classified as likely benign based on ACMG/AMP sequence variant interpretation guidelines (Richards et al. 2015 PMID: 25741868, with internal and published modifications).